The following is an entry in ClinVar:

ClinVar aggregate classification (germline): Uncertain significance. Review status: criteria provided, multiple submitters, no conflicts (2 of 4 stars). 2 submissions from 2 submitters: Uncertain significance (2). Last evaluated 2025-10-07.

Conditions:
Cardiovascular phenotype. Identifiers: MedGen CN230736.
RASopathy. Also called: Noonan spectrum disorder; rasopathies. Identifiers: Orphanet 536391, MedGen C5555857, MONDO:0021060.

gnomAD v4.1: 4 of 1,614,190 alleles (0.00025%); highest among the groups gnomAD compares: Admixed American, 0.0033%; no homozygotes.

Submissions (2):

Labcorp Genetics (formerly Invitae), Labcorp
Classification: Uncertain significance for RASopathy. Last evaluated: 2025-10-07. Review status: criteria provided, single submitter. Criteria: Invitae Variant Classification Sherloc (09022015). Collection method: clinical testing. Allele origin: germline.
Comment: This sequence change replaces alanine, which is neutral and non-polar, with serine, which is neutral and polar, at codon 786 of the CBL protein (p.Ala786Ser). This variant is present in population databases (no rsID available, gnomAD 0.003%). This variant has not been reported in the literature in individuals affected with CBL-related conditions. ClinVar contains an entry for this variant (Variation ID: 3263629). Invitae Evidence Modeling of protein sequence and biophysical properties (such as structural, functional, and spatial information, amino acid conservation, physicochemical variation, residue mobility, and thermodynamic stability) indicates that this missense variant is not expected to disrupt CBL protein function with a negative predictive value of 95%. In summary, the available evidence is currently insufficient to determine the role of this variant in disease. Therefore, it has been classified as a Variant of Uncertain Significance.

Ambry Genetics
Classification: Uncertain significance for Cardiovascular phenotype. Last evaluated: 2025-01-25. Review status: criteria provided, single submitter. Criteria: Ambry Variant Classification Scheme 2023. Collection method: clinical testing. Allele origin: germline.
Comment: The p.A786S variant (also known as c.2356G>T), located in coding exon 15 of the CBL gene, results from a G to T substitution at nucleotide position 2356. The alanine at codon 786 is replaced by serine, an amino acid with similar properties. This amino acid position is conserved. In addition, the in silico prediction for this alteration is inconclusive. Based on the available evidence, the clinical significance of this variant remains unclear.

NM_005188.4(CBL):c.2356G>T (p.Ala786Ser)

Gene: CBL (Cbl proto-oncogene; plus strand). Cytogenetic location: 11q23.3.
Variant type: single nucleotide variant.
Coding change: c.2356G>T on transcript NM_005188.4 (MANE Select); coding-DNA position 2356, G replaced by T.
Protein change: p.Ala786Ser; replaces alanine 786 with serine.
Molecular consequence: missense variant.
Genome position (GRCh38, 1-based): chr11:119,298,462, G>T. VCF-style: chr11-119298462-G-T. GRCh37 (hg19) VCF-style: chr11-119169172-G-T.
Other names: short protein forms A786S.
Identifiers: ClinVar variation 3263629 (VCV003263629.3).